The following is an entry in ClinVar:

ClinVar aggregate classification (germline): Uncertain significance. Review status: criteria provided, multiple submitters, no conflicts (2 of 4 stars). 6 submissions from 6 submitters: Uncertain significance (6). Last evaluated 2025-11-09.

Conditions:
Hereditary cancer-predisposing syndrome. Also called: Tumor predisposition; Hereditary Cancer Syndrome; Hereditary neoplastic syndrome; Neoplastic Syndromes, Hereditary. Identifiers: Orphanet 140162, MedGen C0027672, MeSH D009386, MONDO:0015356.
Breast-ovarian cancer, familial, susceptibility to, 4. Identifiers: Orphanet 145, MedGen C3280345, MONDO:0013669, OMIM 614291.

Allele frequency attached by ClinVar (database versions not stated): TOPMed below 0.00001; gnomAD exomes 0.00001.

Submissions (6):

Labcorp Genetics (formerly Invitae), Labcorp
Classification: Uncertain significance for Breast-ovarian cancer, familial, susceptibility to, 4. Last evaluated: 2025-11-09. Review status: criteria provided, single submitter. Criteria: Invitae Variant Classification Sherloc (09022015). Collection method: clinical testing. Allele origin: germline.
Comment: This sequence change replaces glycine, which is neutral and non-polar, with glutamic acid, which is acidic and polar, at codon 140 of the RAD51D protein (p.Gly140Glu). This variant is present in population databases (rs730881945, gnomAD 0.002%). This variant has not been reported in the literature in individuals affected with RAD51D-related conditions. ClinVar contains an entry for this variant (Variation ID: 182851). Invitae Evidence Modeling of protein sequence and biophysical properties (such as structural, functional, and spatial information, amino acid conservation, physicochemical variation, residue mobility, and thermodynamic stability) has been performed for this missense variant. However, the output from this modeling did not meet the statistical confidence thresholds required to predict the impact of this variant on RAD51D protein function. In summary, the available evidence is currently insufficient to determine the role of this variant in disease. Therefore, it has been classified as a Variant of Uncertain Significance.

Color Diagnostics, LLC DBA Color Health
Classification: Uncertain significance for Hereditary cancer-predisposing syndrome. Last evaluated: 2025-08-19. Review status: criteria provided, single submitter. Criteria: ACMG Guidelines, 2015. Collection method: clinical testing. Allele origin: germline.
Comment: This missense variant replaces glycine with glutamic acid at codon 140 of the RAD51D protein. Computational prediction suggests that this variant may not impact protein structure and function. To our knowledge, functional studies have not been reported for this variant. This variant has been reported in an individual affected with breast cancer (ClinVar Variation ID: 182851). This variant has been identified in 2/251472 chromosomes in the general population by the Genome Aggregation Database (gnomAD). The available evidence is insufficient to determine the role of this variant in disease conclusively. Therefore, this variant is classified as a Variant of Uncertain Significance.

Ambry Genetics
Classification: Uncertain significance for Hereditary cancer-predisposing syndrome. Last evaluated: 2025-01-09. Review status: criteria provided, single submitter. Criteria: Ambry Variant Classification Scheme 2023. Collection method: clinical testing. Allele origin: germline.

Baylor Genetics
Classification: Uncertain significance for Breast-ovarian cancer, familial, susceptibility to, 4. Last evaluated: 2024-02-12. Review status: criteria provided, single submitter. Criteria: ACMG Guidelines, 2015. Collection method: clinical testing. Allele origin: unknown.

GeneDx
Classification: Uncertain significance. Last evaluated: 2024-01-26. Review status: criteria provided, single submitter. Criteria: GeneDx Variant Classification Process June 2021. Collection method: clinical testing. Allele origin: germline. Affected: yes.
Comment: Not observed at significant frequency in large population cohorts (gnomAD); In silico analysis supports that this missense variant has a deleterious effect on protein structure/function; Has not been previously published as pathogenic or benign to our knowledge; This variant is associated with the following publications: (PMID: 14704354, 21111057, 19327148)

Women's Health and Genetics/Laboratory Corporation of America, LabCorp
Classification: Uncertain significance. Last evaluated: 2020-11-24. Review status: criteria provided, single submitter. Criteria: LabCorp Variant Classification Summary - May 2015. Collection method: clinical testing. Allele origin: germline.
Comment: Variant summary: RAD51D c.419G>A (p.Gly140Glu) results in a non-conservative amino acid change located in the AAA+ ATPase domain (IPR003593) of the encoded protein sequence. Four of five in-silico tools predict a damaging effect of the variant on protein function. The variant allele was found at a frequency of 8e-06 in 251472 control chromosomes. The available data on variant occurrences in the general population are insufficient to allow any conclusion about variant significance. To our knowledge, no occurrence of c.419G>A in individuals affected with Hereditary Breast And Ovarian Cancer Syndrome and no experimental evidence demonstrating its impact on protein function have been reported. At-least one co-occurrence with another pathogenic variant has been observed at our laboratory (CHEK2 c.1100delC, p.Thr367fs). Three clinical diagnostic laboratories have submitted clinical-significance assessments for this variant to ClinVar after 2014 without evidence for independent evaluation. All laboratories classified the variant as uncertain significance. Based on the evidence outlined above, the variant was classified as uncertain significance.

NM_002878.4(RAD51D):c.419G>A (p.Gly140Glu)

Genes: RAD51D (RAD51 paralog D; minus strand), RAD51L3-RFFL (RAD51L3-RFFL readthrough; minus strand). Cytogenetic location: 17q12.
Variant type: single nucleotide variant.
Coding change: c.419G>A on transcript NM_002878.4 (MANE Select); coding-DNA position 419, G replaced by A.
Protein change: p.Gly140Glu; replaces glycine 140 with glutamic acid.
Molecular consequence: missense variant. On other transcripts: non-coding transcript variant (1), intron variant (1).
Genome position (GRCh38, 1-based): chr17:35,107,049, C>T on the plus strand (G>A on the coding strand, the complement: RAD51D is on the minus strand). VCF-style: chr17-35107049-C-T. GRCh37 (hg19) VCF-style: chr17-33434068-C-T.
Other names: p.G140E:GGG>GAG; c.479G>A, p.Gly160Glu (NM_001142571.2); c.145-568G>A (NM_133629.3); short protein forms G140E, G160E.
Identifiers: ClinVar variation 182851 (VCV000182851.21), dbSNP rs730881945, ClinGen allele CA299913.
Genomic context (GRCh38, chr17:35,107,049, plus strand): 5'-TGTTCCTCCTCATCCTGGGTTTTAGCCTGAAGCAGCTGGAGGAGGCGGGAAGCTGTCAGC[C>T]CTCCATTGGAATCTACATATAGGACGTTTTGCTGCAGGCCATGGGCCACATTTGCTGCCA-3'
Protein context (NP_002869.3, residues 130-150): QNVLYVDSNG[Gly140Glu]LTASRLLQLL